The following is an entry in ClinVar:

ClinVar aggregate classification (germline): Conflicting classifications of pathogenicity. Review status: criteria provided, conflicting classifications (1 of 4 stars). 3 submissions from 3 submitters: Uncertain significance (2); Likely benign (1). Last evaluated 2025-08-01.

Conditions:
Developmental and epileptic encephalopathy, 18 (DEE18). Also called: Early infantile epileptic encephalopathy 18. Identifiers: Orphanet 369894, MedGen C3809624, MONDO:0014201, OMIM 615476.

Allele frequency attached by ClinVar (database versions not stated): gnomAD exomes below 0.00001 and 0.00001; gnomAD 0.00001 and 0.00003; TOPMed 0.00001; ExAC 0.00004; 1000 Genomes Project 30x 0.00062; 1000 Genomes Project 0.00080.
gnomAD v4.1: 6 of 1,591,346 alleles (0.00038%); highest among the groups gnomAD compares: African/African-American, 0.0067%; no homozygotes.

Submissions (3):

CeGaT Center for Human Genetics Tuebingen
Classification: Likely benign. Last evaluated: 2025-08-01. Review status: criteria provided, single submitter. Criteria: CeGaT Center For Human Genetics Tuebingen Variant Classification Criteria Version 2. Collection method: clinical testing. Allele origin: germline. Affected: yes. Observed: 2 variant alleles.
Comment: SZT2: BP4

Labcorp Genetics (formerly Invitae), Labcorp
Classification: Uncertain significance. Last evaluated: 2025-02-12. Review status: criteria provided, single submitter. Criteria: Invitae Variant Classification Sherloc (09022015). Collection method: clinical testing. Allele origin: germline.
Comment: This sequence change replaces serine, which is neutral and polar, with glycine, which is neutral and non-polar, at codon 2288 of the SZT2 protein (p.Ser2288Gly). This variant is present in population databases (rs182184747, gnomAD 0.02%). This variant has not been reported in the literature in individuals affected with SZT2-related conditions. ClinVar contains an entry for this variant (Variation ID: 806126). Invitae Evidence Modeling of protein sequence and biophysical properties (such as structural, functional, and spatial information, amino acid conservation, physicochemical variation, residue mobility, and thermodynamic stability) indicates that this missense variant is not expected to disrupt SZT2 protein function with a negative predictive value of 80%. In summary, the available evidence is currently insufficient to determine the role of this variant in disease. Therefore, it has been classified as a Variant of Uncertain Significance.

Genome-Nilou Lab
Classification: Uncertain significance for Developmental and epileptic encephalopathy, 18. Last evaluated: 2023-04-11. Review status: criteria provided, single submitter. Criteria: ACMG Guidelines, 2015. Collection method: clinical testing. Allele origin: germline. Affected: no.

NM_001365999.1(SZT2):c.7033A>G (p.Ser2345Gly)

Gene: SZT2 (SZT2 subunit of KICSTOR complex; plus strand). Cytogenetic location: 1p34.2.
Variant type: single nucleotide variant.
Coding change: c.7033A>G on transcript NM_001365999.1 (MANE Select); coding-DNA position 7033, A replaced by G.
Protein change: p.Ser2345Gly; replaces serine 2345 with glycine.
Molecular consequence: missense variant.
Genome position (GRCh38, 1-based): chr1:43,439,760, A>G. VCF-style: chr1-43439760-A-G. GRCh37 (hg19) VCF-style: chr1-43905431-A-G.
Other names: c.6862A>G, p.Ser2288Gly (NM_015284.4); short protein forms S2288G, S2345G.
Identifiers: ClinVar variation 806126 (VCV000806126.46), dbSNP rs182184747, ClinGen allele CA810087.
Genomic context (GRCh38, chr1:43,439,760, plus strand): 5'-CTGCGAGAGGAGGAATTTGAGCAACTGACCCAGGTCATCCGCTGCCCGGTTGTTGTGGAC[A>G]GTTCTTCAGGTGGGACAGCTTGGTCAGAGGATGAGGTGTTCAGTTATTGCTGTGGGAGGT-3'
Protein context (NP_001352928.1, residues 2335-2355): QVIRCPVVVD[Ser2345Gly]SSAQNGAPRL